The following is an entry in ClinVar:

NM_201378.4(PLEC):c.71-11923G>A

Gene: PLEC (plectin; minus strand). Cytogenetic location: 8q24.3.
Variant type: single nucleotide variant.
Coding change: c.71-11923G>A on transcript NM_201378.4 (MANE Plus Clinical); 11923 bases into the intron before coding-DNA position 71, G replaced by A.
Molecular consequence: intron variant. On other transcripts: missense variant (1).
Genome position (GRCh38, 1-based): chr8:143,950,615, C>T on the plus strand (G>A on the coding strand, the complement: PLEC is on the minus strand). VCF-style: chr8-143950615-C-T. GRCh37 (hg19) VCF-style: chr8-145024783-C-T.
Other names: c.92G>A, p.Arg31Gln (NM_201380.4); c.194-11923G>A (NM_001410941.1, NM_000445.5); c.46+3111G>A (NM_201379.3); short protein forms R31Q.
Identifiers: ClinVar variation 448081 (VCV000448081.23), dbSNP rs200842821, ClinGen allele CA4929025.

ClinVar aggregate classification (germline): Benign/Likely benign. Review status: criteria provided, multiple submitters, no conflicts (2 of 4 stars). 7 submissions from 7 submitters: Benign (1); Likely benign (3). 3 of the submissions do not count toward it. Last evaluated 2026-09-01.

Conditions:
PLEC-related disorder. Also called: PLEC-related condition; PLEC-related disorders.

Allele frequency attached by ClinVar (database versions not stated): ESP Exome Variant Server 0.00048; 1000 Genomes Project 30x 0.00031; gnomAD 0.00054 and 0.00056; TOPMed 0.00054; 1000 Genomes Project 0.00020; gnomAD exomes 0.00074 and 0.00089; ExAC 0.00119.

Submissions (7):

CeGaT Center for Human Genetics Tuebingen
Classification: Likely benign. Last evaluated: 2026-09-01. Review status: criteria provided, single submitter. Criteria: CeGaT Center For Human Genetics Tuebingen Variant Classification Criteria Version 2. Collection method: clinical testing. Allele origin: germline. Affected: yes. Observed: 3 variant alleles.
Comment: PLEC: BS2

Women's Health and Genetics/Laboratory Corporation of America, LabCorp
Classification: Likely benign. Last evaluated: 2026-05-05. Review status: criteria provided, single submitter. Criteria: LabCorp Variant Classification Summary - May 2015. Collection method: clinical testing. Allele origin: germline.
Comment: Variant summary: PLEC c.194-11923G>A is located at a position not widely known to affect splicing. Consensus agreement among computation tools predict no significant impact on normal splicing. However, these predictions have yet to be confirmed by functional studies. The variant allele was found at a frequency of 0.00089 in 223468 control chromosomes. This frequency is not significantly higher than estimated for disease-causing variants in PLEC, allowing no conclusion about variant significance. c.194-11923G>A has been observed in an individual with hyperCKemia (Rubegni_2019). This report does not provide unequivocal conclusions about association of the variant with PLEC-related conditions. To our knowledge, no experimental evidence demonstrating an impact on protein function has been reported. The following publication have been ascertained in the context of this evaluation (PMID: 31517061). ClinVar contains an entry for this variant (Variation ID: 448081). Based on the evidence outlined above, the variant was classified as likely benign.

Blueprint Genetics
Classification: Likely benign. Last evaluated: 2024-11-22. Review status: criteria provided, single submitter. Criteria: ACMG Guidelines, 2015. Collection method: clinical testing. Allele origin: germline.

Athena Diagnostics
Classification: Benign. Last evaluated: 2024-08-29. Review status: criteria provided, single submitter. Criteria: Athena Diagnostics Criteria. Collection method: clinical testing. Allele origin: unknown.

PreventionGenetics, part of Exact Sciences
Classification: Likely benign for PLEC-related condition. Last evaluated: 2024-08-06. Review status: no assertion criteria provided. Collection method: clinical testing. Allele origin: germline. Not counted in ClinVar's aggregate classification.
Comment: This variant is classified as likely benign based on ACMG/AMP sequence variant interpretation guidelines (Richards et al. 2015 PMID: 25741868, with internal and published modifications).

Clinical Genetics DNA and cytogenetics Diagnostics Lab, Erasmus MC, Erasmus Medical Center
Classification: Likely benign. Review status: no assertion criteria provided. Collection method: clinical testing. Allele origin: germline. Affected: yes. Study: VKGL Data-share Consensus. Not counted in ClinVar's aggregate classification.

Genome Diagnostics Laboratory, University Medical Center Utrecht
Classification: Likely benign. Review status: no assertion criteria provided. Collection method: clinical testing. Allele origin: germline. Affected: yes. Study: VKGL Data-share Consensus. Not counted in ClinVar's aggregate classification.

Literature cited by the submitters: PubMed 31517061 (cited by Women's Health and Genetics/Laboratory Corporation of America, LabCorp).